The following is an entry in ClinVar:

ClinVar aggregate classification (germline): Uncertain significance (1 of 4 stars; one submission).

Submission:

Labcorp Genetics (formerly Invitae), Labcorp
Classification: Uncertain significance. Last evaluated: 2020-12-17. Review status: criteria provided, single submitter. Criteria: Invitae Variant Classification Sherloc (09022015). Collection method: clinical testing. Allele origin: germline.
Comment: This sequence change replaces aspartic acid with tyrosine at codon 557 of the CEP78 protein (p.Asp557Tyr). The aspartic acid residue is moderately conserved and there is a large physicochemical difference between aspartic acid and tyrosine. This variant is not present in population databases (ExAC no frequency). This variant has not been reported in the literature in individuals with CEP78-related conditions. Algorithms developed to predict the effect of missense changes on protein structure and function are either unavailable or do not agree on the potential impact of this missense change (SIFT: "Deleterious"; PolyPhen-2: "Probably Damaging"; Align-GVGD: "Class C0"). In summary, the available evidence is currently insufficient to determine the role of this variant in disease. Therefore, it has been classified as a Variant of Uncertain Significance.

NM_001330691.3(CEP78):c.1666G>T (p.Asp556Tyr)

Gene: CEP78 (centrosomal protein 78; plus strand). Cytogenetic location: 9q21.2.
Variant type: single nucleotide variant.
Coding change: c.1666G>T on transcript NM_001330691.3 (MANE Select); coding-DNA position 1666, G replaced by T.
Protein change: p.Asp556Tyr; replaces aspartic acid 556 with tyrosine.
Molecular consequence: missense variant.
Genome position (GRCh38, 1-based): chr9:78,265,412, G>T. VCF-style: chr9-78265412-G-T. GRCh37 (hg19) VCF-style: chr9-80880328-G-T.
Other names: c.1669G>T, p.Asp557Tyr (NM_001098802.3, NM_001349839.2, NM_001349840.2 and 1 more transcripts); c.1666G>T, p.Asp556Tyr (NM_001330693.3, NM_001330694.2, NM_001349838.2); short protein forms D557Y, D556Y.
Identifiers: ClinVar variation 1349063 (VCV001349063.8), dbSNP rs1827474124, ClinGen allele CA373865789.
Genomic context (GRCh38, chr9:78,265,412, plus strand): 5'-CCTTTTCTTCTCTCGACCAGGCTTGGGCAGCTTGCCACAATGGCTGGGATAGATCAGTCA[G>T]ATTTTCAATTACTAGGTCATCCCCAGATGACTTCTACTGTTAGTAATCCACCTAAAGAAG-3'
Protein context (NP_001317620.1, residues 546-566): LATMAGIDQS[Asp556Tyr]FQLLGHPQMT